The following is an entry in ClinVar:

NM_000337.6(SGCD):c.192+4A>G

Gene: SGCD (sarcoglycan delta; plus strand). Cytogenetic location: 5q33.3.
Variant type: single nucleotide variant.
Coding change: c.192+4A>G on transcript NM_000337.6 (MANE Select); 4 bases into the intron after coding-DNA position 192, A replaced by G.
Molecular consequence: intron variant.
Genome position (GRCh38, 1-based): chr5:156,344,681, A>G. VCF-style: chr5-156344681-A-G. GRCh37 (hg19) VCF-style: chr5-155771691-A-G.
Other names: c.189+4A>G (NM_001128209.2); c.192+4A>G (NM_172244.3).
Identifiers: ClinVar variation 418486 (VCV000418486.3), dbSNP rs750150347, ClinGen allele CA3530501.

ClinVar aggregate classification (germline): Uncertain significance (1 of 4 stars; one submission).

Allele frequency attached by ClinVar (database versions not stated): gnomAD exomes below 0.00001; TOPMed below 0.00001; ExAC 0.00001.
gnomAD v4.1: 2 of 1,595,514 alleles (0.00013%); highest among the groups gnomAD compares: African/African-American, 0.0014%; no homozygotes.

Submission:

GeneDx
Classification: Uncertain significance. Last evaluated: 2019-10-29. Review status: criteria provided, single submitter. Criteria: GeneDx Variant Classification Process June 2021. Collection method: clinical testing. Allele origin: germline. Affected: yes.
Comment: Has not been previously published as pathogenic or benign to our knowledge; Not observed at a significant frequency in large population cohorts (Lek et al., 2016); In silico analysis, which includes splice predictors and evolutionary conservation, suggests this variant may impact gene splicing; in the absence of RNA/functional studies, the actual effect of this sequence change is unknown